The following is an entry in ClinVar:

ClinVar aggregate classification (germline): Uncertain significance. Review status: criteria provided, multiple submitters, no conflicts (2 of 4 stars). 2 submissions from 2 submitters: Uncertain significance (2). Last evaluated 2025-02-16.

Conditions:
Bainbridge-Ropers syndrome. Also called: Severe feeding difficulties-failure to thrive-microcephaly due to ASXL3 deficiency syndrome. Identifiers: Orphanet 352577, MedGen C4750837, MONDO:0014205, OMIM 615485.

Allele frequency attached by ClinVar (database versions not stated): TOPMed 0.00001.

Submissions (2):

GeneDx
Classification: Uncertain significance. Last evaluated: 2025-02-16. Review status: criteria provided, single submitter. Criteria: GeneDx Variant Classification Process June 2021. Collection method: clinical testing. Allele origin: germline. Affected: yes.
Comment: Not observed at significant frequency in large population cohorts (gnomAD); In silico analysis indicates that this missense variant does not alter protein structure/function; Has not been previously published as pathogenic or benign to our knowledge

Revvity Omics, Revvity
Classification: Uncertain significance for Bainbridge-Ropers syndrome. Last evaluated: 2021-04-07. Review status: criteria provided, single submitter. Criteria: ACMG Guidelines, 2015. Collection method: clinical testing. Allele origin: germline.

NM_030632.3(ASXL3):c.272A>G (p.Asp91Gly)

Gene: ASXL3 (ASXL transcriptional regulator 3; plus strand). Cytogenetic location: 18q12.1.
Variant type: single nucleotide variant.
Coding change: c.272A>G on transcript NM_030632.3 (MANE Select); coding-DNA position 272, A replaced by G.
Protein change: p.Asp91Gly; replaces aspartic acid 91 with glycine.
Molecular consequence: missense variant.
Genome position (GRCh38, 1-based): chr18:33,646,270, A>G. VCF-style: chr18-33646270-A-G. GRCh37 (hg19) VCF-style: chr18-31226234-A-G.
Other names: c.272A>G (NM_030632.1); short protein forms D91G.
Identifiers: ClinVar variation 2439301 (VCV002439301.4), dbSNP rs1313848346, ClinGen allele CA402162149.